The following is an entry in ClinVar:

ClinVar aggregate classification (germline): Uncertain significance (1 of 4 stars; one submission).

Conditions:
Inborn genetic diseases. Identifiers: MedGen C0950123, MeSH D030342.

Submission:

Ambry Genetics
Classification: Uncertain significance for Inborn genetic diseases. Last evaluated: 2025-07-21. Review status: criteria provided, single submitter. Criteria: Ambry Variant Classification Scheme 2023. Collection method: clinical testing. Allele origin: germline.
Comment: The c.1504A>G (p.I502V) alteration is located in exon 11 (coding exon 11) of the GRIA2 gene. This alteration results from a A to G substitution at nucleotide position 1504, causing the isoleucine (I) at amino acid position 502 to be replaced by a valine (V). This variant was not reported in population-based cohorts in the Genome Aggregation Database (gnomAD). This amino acid position is highly conserved in available vertebrate species. This missense alteration is located in a region that has a low rate of benign missense variation (Lek, 2016; Firth, 2009). The in silico prediction for this alteration is inconclusive. Based on insufficient or conflicting evidence, the clinical significance of this alteration remains unclear.

NM_001083619.3(GRIA2):c.1504A>G (p.Ile502Val)

Gene: GRIA2 (glutamate ionotropic receptor AMPA type subunit 2; plus strand). Cytogenetic location: 4q32.1.
Variant type: single nucleotide variant.
Coding change: c.1504A>G on transcript NM_001083619.3 (MANE Select); coding-DNA position 1504, A replaced by G.
Protein change: p.Ile502Val; replaces isoleucine 502 with valine.
Molecular consequence: missense variant.
Genome position (GRCh38, 1-based): chr4:157,336,407, A>G. VCF-style: chr4-157336407-A-G. GRCh37 (hg19) VCF-style: chr4-158257559-A-G.
Other names: c.1504A>G, p.Ile502Val (NM_000826.6); c.1363A>G, p.Ile455Val (NM_001083620.3, NM_001379000.3, NM_001379001.3); short protein forms I455V, I502V.
Identifiers: ClinVar variation 4032259 (VCV004032259.2).
Genomic context (GRCh38, chr4:157,336,407, plus strand): 5'-TACTATTACTTTCCTTTTTTTCCCTTACAGAAAGCTGATATTGCAATTGCTCCATTAACT[A>G]TTACCCTTGTGAGAGAAGAGGTGATTGACTTCTCAAAGCCCTTCATGAGCCTCGGGATAT-3'
Protein context (NP_001077088.2, residues 492-512): KADIAIAPLT[Ile502Val]TLVREEVIDF